The following is an entry in ClinVar:

NM_000363.5(TNNI3):c.575G>C (p.Arg192Pro)

Gene: TNNI3 (troponin I3, cardiac type; minus strand). Cytogenetic location: 19q13.42.
Variant type: single nucleotide variant.
Coding change: c.575G>C on transcript NM_000363.5 (MANE Select); coding-DNA position 575, G replaced by C.
Protein change: p.Arg192Pro; replaces arginine 192 with proline.
Molecular consequence: missense variant.
Genome position (GRCh38, 1-based): chr19:55,151,892, C>G on the plus strand (G>C on the coding strand, the complement: TNNI3 is on the minus strand). VCF-style: chr19-55151892-C-G. GRCh37 (hg19) VCF-style: chr19-55663260-C-G.
Other names: short protein forms R192P.
Identifiers: ClinVar variation 179536 (VCV000179536.5), dbSNP rs104894729, ClinGen allele CA021964.
Genomic context (GRCh38, chr19:55,151,892, plus strand): 5'-GCTCAGCTCTCAAACTTTTTCTTGCGGCCCTCCATTCCACTCAGTGCATCGATGTTCTTG[C>G]GCCAGTCTCCCACCTCCCGGTTTTCCTGGAGGATGGCGATGAGTCAGAGGTTAGGGTCTC-3'
Protein context (NP_000354.4, residues 182-202): EKENREVGDW[Arg192Pro]KNIDALSGME

ClinVar aggregate classification (germline): Likely pathogenic (1 of 4 stars; one submission).

Conditions:
Hypertrophic cardiomyopathy. Also called: HYPERTROPHIC MYOCARDIOPATHY. Identifiers: Orphanet 217569, MedGen C0007194, MeSH D002312, MONDO:0005045, HP:0001639.

Submission:

Laboratory for Molecular Medicine, Mass General Brigham Personalized Medicine
Classification: Likely pathogenic for Hypertrophic cardiomyopathy. Last evaluated: 2016-07-13. Review status: criteria provided, single submitter. Criteria: LMM Criteria. Collection method: clinical testing. Allele origin: germline. Observed: 1 variant allele.
Comment: The p.Arg192Pro variant in TNNI3 is absent from large population studies. Par ental studies (performed by a different laboratory) revealed de novo occurrence. In addition, 3 other disease-causing variants at this position (p.Arg192His, p. Arg192Cys, and p.Arg192Leu) have been identified in multiple individuals with HC M and/or RCM and have occurred de novo in multiple cases, strongly supporting th at changes at this position may lead to disease (Mogensen 2003, Gomes 2005, Koba yashi 2006, Davis 2007, Mathur 2009, Rai 2009, Davis 2010, Millat 2010, van den Wijngaard 2011, Liu 2012, Yang 2013, LMM data). Computational prediction tools a nd conservation analysis do not provide additional support for or against an imp act to the protein. In summary, although additional studies are required to full y establish its clinical significance, the p.Arg192Pro variant is likely pathoge nic.

Literature cited by the submitters: PubMed 12531876; PubMed 15961398; PubMed 16531415; PubMed 20161772; PubMed 17463320; PubMed 19289050; PubMed 23906401; PubMed 19449150; PubMed 20800588; PubMed 21533915; PubMed 22675533.